The following is an entry in ClinVar:

NM_000540.3(RYR1):c.14504G>A (p.Gly4835Glu)

Gene: RYR1 (ryanodine receptor 1; plus strand). Cytogenetic location: 19q13.2.
Variant type: single nucleotide variant.
Coding change: c.14504G>A on transcript NM_000540.3 (MANE Select); coding-DNA position 14504, G replaced by A.
Protein change: p.Gly4835Glu; replaces glycine 4835 with glutamic acid.
Molecular consequence: missense variant.
Genome position (GRCh38, 1-based): chr19:38,580,121, G>A. VCF-style: chr19-38580121-G-A. GRCh37 (hg19) VCF-style: chr19-39070761-G-A.
Other names: c.14489G>A, p.Gly4830Glu (NM_001042723.2); short protein forms G4830E, G4835E.
Identifiers: ClinVar variation 3377492 (VCV003377492.2).

ClinVar aggregate classification (germline): Conflicting classifications of pathogenicity. Review status: criteria provided, conflicting classifications (1 of 4 stars). 2 submissions from 2 submitters: Likely pathogenic (1); Uncertain significance (1). Last evaluated 2024-10-11.

Conditions:
RYR1-related myopathy. Identifiers: Orphanet 98742, MedGen CN305348, MONDO:0100150.

Submissions (2):

Victorian Clinical Genetics Services, Murdoch Childrens Research Institute
Classification: Likely pathogenic for RYR1-related myopathy. Last evaluated: 2024-10-11. Review status: criteria provided, single submitter. Criteria: ACMG Guidelines, 2015. Collection method: clinical testing. Allele origin: germline. Affected: yes.
Comment: Based on the classification scheme VCGS_Germline_v1.1.1, this variant is classified as Likely Pathogenic. Following criteria are met: 0103 - Both loss- and gain-of-function are known mechanisms of disease for this gene. (N) 0112 - Variants in this gene are known to have reduced penetrance (SOURCE). (N) 0108 - This gene is known to be associated with both recessive and dominant disease. (N) 0200 - Variant is predicted to result in a missense amino acid change from glycine to glutamic acid. (N) 0251 - Variant is heterozygous. (N) 0301 - Variant is absent from gnomAD. (P) 0501 - Missense variant consistently predicted to be damaging by multiple in-silico tools or highly conserved with a major amino acid change. (P) 0602 - Variant is located in a hotspot region or cluster of pathogenic variants. (Witherspoon, JW. and Meilleur, KG. (2016)). (P) 0705 - No comparable variants have previous evidence for pathogenicity. (N) 0807 - Variant has not previously been reported in a clinical context. (N) 0905 - No segregation evidence has been identified for this variant. (N) 1007 - No published functional evidence has been identified for this variant. (N) 1102 - Strong phenotype match. (N) Legend: (P) - Pathogenic, (N) - Neutral, (B) - Benign

Revvity Omics, Revvity
Classification: Uncertain significance. Last evaluated: 2024-10-09. Review status: criteria provided, single submitter. Criteria: ACMG Guidelines, 2015. Collection method: clinical testing. Allele origin: germline.